The following is an entry in ClinVar:

NM_001164508.2(NEB):c.24575dup (p.Ser8192fs)

Genes: NEB (nebulin; minus strand), RIF1 (replication timing regulatory factor 1; plus strand). Cytogenetic location: 2q23.3.
Variant type: Duplication.
Coding change: c.24575dup on transcript NM_001164508.2 (MANE Select); coding-DNA position 24575, one base duplicated (G; older notation c.24575dupG).
Protein change: p.Ser8192fs; shifts the reading frame from serine 8192.
Molecular consequence: frameshift variant.
Genome position (GRCh38, 1-based): chr2:151,494,165, C duplicated on the plus strand (G on the coding strand, the reverse complement: NEB is on the minus strand). VCF-style (leftmost placement, unchanged base first): chr2-151494164-G-GC. GRCh37 (hg19) VCF-style: chr2-152350678-G-GC.
Other names: c.24575dup, p.Ser8192fs (NM_001164507.2); c.24680dup, p.Ser8227fs (NM_001271208.2); c.19007dup, p.Ser6336fs (NM_004543.5); short protein forms S8227fs, S6336fs, S8192fs.
Identifiers: ClinVar variation 1391390 (VCV001391390.6), dbSNP rs2152874815, ClinGen allele CA2573133047.

ClinVar aggregate classification (germline): Pathogenic (1 of 4 stars; one submission).

Conditions:
Nemaline myopathy 2 (NEM2). Also called: Nemaline myopathy 2, autosomal recessive. Identifiers: MedGen C1850569, MONDO:0009725, OMIM 256030.

Submission:

Labcorp Genetics (formerly Invitae), Labcorp
Classification: Pathogenic for Nemaline myopathy 2. Last evaluated: 2023-10-25. Review status: criteria provided, single submitter. Criteria: Invitae Variant Classification Sherloc (09022015). Collection method: clinical testing. Allele origin: germline.
Comment: This sequence change creates a premature translational stop signal (p.Ser8227Argfs*20) in the NEB gene. It is expected to result in an absent or disrupted protein product. Loss-of-function variants in NEB are known to be pathogenic (PMID: 25205138). This variant is not present in population databases (gnomAD no frequency). This variant has not been reported in the literature in individuals affected with NEB-related conditions. ClinVar contains an entry for this variant (Variation ID: 1391390). For these reasons, this variant has been classified as Pathogenic.

Literature cited by the submitters: PubMed 25205138.